The following is an entry in ClinVar:

NM_003002.4(SDHD):c.*428A>G

Gene: SDHD (succinate dehydrogenase complex subunit D; plus strand). Cytogenetic location: 11q23.1.
Variant type: single nucleotide variant.
Coding change: c.*428A>G on transcript NM_003002.4 (MANE Select); 428 bases downstream of the stop codon, A replaced by G.
Molecular consequence: 3 prime UTR variant. On other transcripts: non-coding transcript variant (1).
Genome position (GRCh38, 1-based): chr11:112,095,398, A>G. VCF-style: chr11-112095398-A-G. GRCh37 (hg19) VCF-style: chr11-111966122-A-G.
Other names: c.*505A>G (NM_001276503.2); c.*428A>G (NM_001276504.2); c.*606A>G (NM_001276506.2).
Identifiers: ClinVar variation 179088 (VCV000179088.12), dbSNP rs184654032, ClinGen allele CA017014.

ClinVar aggregate classification (germline): Benign/Likely benign. Review status: criteria provided, multiple submitters, no conflicts (2 of 4 stars). 3 submissions from 3 submitters: Benign (1); Likely benign (2). Last evaluated 2018-07-02.

Conditions:
Hereditary pheochromocytoma and paraganglioma. Also called: Hereditary paragangliomas and pheochromocytomas; Hereditary Paraganglioma-Pheochromocytoma Syndromes; Hereditary pheochromocytoma-paraganglioma. Identifiers: Orphanet 29072, MedGen C4274332, MONDO:0017366.

Allele frequency attached by ClinVar (database versions not stated): 1000 Genomes Project 0.00319; 1000 Genomes Project 30x 0.00468; TOPMed 0.00490; gnomAD 0.00586 and 0.00590; gnomAD exomes 0.00611.

Submissions (3):

GeneDx
Classification: Likely benign. Last evaluated: 2018-07-02. Review status: criteria provided, single submitter. Criteria: GeneDx Variant Classification Process June 2021. Collection method: clinical testing. Allele origin: germline. Affected: yes.

Illumina Laboratory Services, Illumina
Classification: Benign for Hereditary Paraganglioma-Pheochromocytoma Syndromes. Last evaluated: 2018-01-13. Review status: criteria provided, single submitter. Criteria: ICSL Variant Classification Criteria 13 December 2019. Collection method: clinical testing. Allele origin: germline.
Comment: This variant was observed in the ICSL laboratory as part of a predisposition screen in an ostensibly healthy population. It had not been previously curated by ICSL or reported in the Human Gene Mutation Database (HGMD: prior to June 1st, 2018), and was therefore a candidate for classification through an automated scoring system. Utilizing variant allele frequency, disease prevalence and penetrance estimates, and inheritance mode, an automated score was calculated to assess if this variant is too frequent to cause the disease. Based on the score and internal cut-off values, a variant classified as benign is not then subjected to further curation. The score for this variant resulted in a classification of benign for this disease.

Laboratory for Molecular Medicine, Mass General Brigham Personalized Medicine
Classification: Likely benign. Last evaluated: 2013-06-12. Review status: criteria provided, single submitter. Criteria: LMM Criteria. Collection method: clinical testing. Allele origin: germline. Observed: 1 variant allele.
Comment: *428A>G in the 3' UTR of SDHD: This variant is not expected to have clinical sig nificance because it has been identified in 2.5% (3/120) of Colombian chromosome s and in 1.8% (2/110) of Puerto Rican chromosomes by the 1000 Genomes Project (d bSNP rs184654032).